The following is an entry in ClinVar:

ClinVar aggregate classification (germline): Conflicting classifications of pathogenicity. Review status: criteria provided, conflicting classifications (1 of 4 stars). 3 submissions from 3 submitters: Uncertain significance (2); Likely benign (1). Last evaluated 2025-07-02.

Conditions:
Dilated cardiomyopathy 1AA (CMD1AA). Also called: CARDIOMYOPATHY, DILATED, 1AA, WITH OR WITHOUT LEFT VENTRICULAR NONCOMPACTION; CARDIOMYOPATHY, FAMILIAL HYPERTROPHIC, 23, WITH OR WITHOUT LEFT VENTRICULAR NONCOMPACTION; Cardiomyopathy, dilated, 1AA, with or without LVNC. Identifiers: Orphanet 154, MedGen C2677338, MONDO:0012808, OMIM 612158.
Primary familial hypertrophic cardiomyopathy (HCM). Identifiers: Orphanet 99739, MedGen C0949658, MeSH D024741, MONDO:0024573. Inheritance: Various modes of inheritance.
Myopathy, congenital, with structured cores and z-line abnormalities. Also called: MULTIPLE STRUCTURED CORE DISEASE; CONGENITAL MYOPATHY 8. Identifiers: MedGen C5231445, MONDO:0032852, OMIM 618654.
Myopathy, distal, 6, adult-onset, autosomal dominant. Identifiers: MedGen C5203349, MONDO:0032853, OMIM 618655.
Cardiovascular phenotype. Identifiers: MedGen CN230736.

Submissions (3):

Labcorp Genetics (formerly Invitae), Labcorp
Classification: Uncertain significance for Primary familial hypertrophic cardiomyopathy; Dilated cardiomyopathy 1AA. Last evaluated: 2025-07-02. Review status: criteria provided, single submitter. Criteria: Invitae Variant Classification Sherloc (09022015). Collection method: clinical testing. Allele origin: germline.
Comment: This sequence change replaces aspartic acid, which is acidic and polar, with glutamic acid, which is acidic and polar, at codon 569 of the ACTN2 protein (p.Asp569Glu). This variant is not present in population databases (gnomAD no frequency). This variant has not been reported in the literature in individuals affected with ACTN2-related conditions. ClinVar contains an entry for this variant (Variation ID: 1408568). Invitae Evidence Modeling of protein sequence and biophysical properties (such as structural, functional, and spatial information, amino acid conservation, physicochemical variation, residue mobility, and thermodynamic stability) indicates that this missense variant is not expected to disrupt ACTN2 protein function with a negative predictive value of 80%. In summary, the available evidence is currently insufficient to determine the role of this variant in disease. Therefore, it has been classified as a Variant of Uncertain Significance.

Ambry Genetics
Classification: Likely benign for Cardiovascular phenotype. Last evaluated: 2025-03-10. Review status: criteria provided, single submitter. Criteria: Ambry Variant Classification Scheme 2023. Collection method: clinical testing. Allele origin: germline.

Fulgent Genetics
Classification: Uncertain significance for Dilated cardiomyopathy 1AA; Myopathy, congenital, with structured cores and z-line abnormalities; Myopathy, distal, 6, adult-onset, autosomal dominant. Last evaluated: 2021-08-20. Review status: criteria provided, single submitter. Criteria: ACMG Guidelines, 2015. Collection method: clinical testing. Allele origin: unknown.

NM_001103.4(ACTN2):c.1707C>A (p.Asp569Glu)

Gene: ACTN2 (actinin alpha 2; plus strand). Cytogenetic location: 1q43.
Variant type: single nucleotide variant.
Coding change: c.1707C>A on transcript NM_001103.4 (MANE Select); coding-DNA position 1707, C replaced by A.
Protein change: p.Asp569Glu; replaces aspartic acid 569 with glutamic acid.
Molecular consequence: missense variant.
Genome position (GRCh38, 1-based): chr1:236,751,520, C>A. VCF-style: chr1-236751520-C-A. GRCh37 (hg19) VCF-style: chr1-236914820-C-A.
Other names: c.1707C>A, p.Asp569Glu (NM_001278343.2); c.1083C>A, p.Asp361Glu (NM_001278344.2); c.1707C>A (NM_001103.2); short protein forms D361E, D569E.
Identifiers: ClinVar variation 1408568 (VCV001408568.12), dbSNP rs773915011, ClinGen allele CA345385786.